The following is an entry in ClinVar:

ClinVar aggregate classification (germline): Pathogenic/Likely pathogenic. Review status: criteria provided, multiple submitters, no conflicts (2 of 4 stars). 3 submissions from 3 submitters: Pathogenic (1); Likely pathogenic (2). Last evaluated 2026-05-08.

Conditions:
TTLL5-related disorder. Also called: TTLL5-related condition.

Allele frequency attached by ClinVar (database versions not stated): gnomAD 0.00001; gnomAD exomes 0.00001; TOPMed 0.00003.

Submissions (3):

PreventionGenetics, part of Exact Sciences
Classification: Likely pathogenic for TTLL5-related condition. Last evaluated: 2026-05-08. Review status: criteria provided, single submitter. Criteria: ACMG Guidelines, 2015. Collection method: clinical testing. Allele origin: germline.
Comment: The TTLL5 c.260_261dupAT variant is predicted to result in a frameshift and premature protein termination (p.Glu88Metfs*12). This variant has been reported along with a second TTLL5 variant in an individual with retinal disease (Table S2, Zampaglione et al. 2020. PubMed ID: 32037395). This variant is absent in a large population database (gnomAD), indicating this variant is rare. Frameshift variants in TTLL5 are an established mechanism of disease. This variant is interpreted as likely pathogenic.

Labcorp Genetics (formerly Invitae), Labcorp
Classification: Pathogenic. Last evaluated: 2023-12-21. Review status: criteria provided, single submitter. Criteria: Invitae Variant Classification Sherloc (09022015). Collection method: clinical testing. Allele origin: germline.
Comment: This sequence change creates a premature translational stop signal (p.Glu88Metfs*12) in the TTLL5 gene. It is expected to result in an absent or disrupted protein product. Loss-of-function variants in TTLL5 are known to be pathogenic (PMID: 24791901, 27162334). This variant is not present in population databases (gnomAD no frequency). This premature translational stop signal has been observed in individual(s) with TTLL5-related conditions (PMID: 32037395). For these reasons, this variant has been classified as Pathogenic.

Blueprint Genetics
Classification: Likely pathogenic for TTLL5-related disorders. Last evaluated: 2022-09-14. Review status: criteria provided, single submitter. Criteria: ACMG Guidelines, 2015. Collection method: clinical testing. Allele origin: germline. Affected: yes. Observed: 4 variant alleles.

Literature cited by the submitters: PubMed 24791901 (cited by Labcorp Genetics (formerly Invitae), Labcorp); PubMed 27162334 (cited by Labcorp Genetics (formerly Invitae), Labcorp); PubMed 32037395 (cited by Labcorp Genetics (formerly Invitae), Labcorp).

NM_015072.5(TTLL5):c.260_261dup (p.Glu88fs)

Gene: TTLL5 (tubulin tyrosine ligase like 5; plus strand). Cytogenetic location: 14q24.3.
Variant type: Duplication.
Coding change: c.260_261dup on transcript NM_015072.5 (MANE Select); coding-DNA positions 260 to 261, 2 bases duplicated (AT; older notation c.260_261dupAT).
Protein change: p.Glu88fs; shifts the reading frame from glutamic acid 88.
Molecular consequence: frameshift variant.
Genome position (GRCh38, 1-based): chr14:75,681,623-75,681,624, AT duplicated. VCF-style (leftmost placement, unchanged base first): chr14-75681622-C-CAT. GRCh37 (hg19) VCF-style: chr14-76147965-C-CAT.
Other names: c.260_261dupAT (NM_015072.4); short protein forms E88fs.
Identifiers: ClinVar variation 3019822 (VCV003019822.5), dbSNP rs1324798326, ClinGen allele CA487188142.
Genomic context (GRCh38, chr14:75,681,622, plus strand): 5'-TATAAGATTGTACGAACGGACAGTCGCCTAGTACGCAGCATTCTGACAGCCCATGGATTT[C>CAT]ATGAAGTAAGTTTATTTTTAATACCTCACCTGATCTGCTCATAAGCTGAAAATCCCAGCC-3'